The following is an entry in ClinVar:

ClinVar aggregate classification (germline): Likely pathogenic (1 of 4 stars; one submission).

Conditions:
Diamond-Blackfan anemia 5 (DBA5). Also called: RPL35A-Related Diamond-Blackfan Anemia. Identifiers: Orphanet 124, MedGen C2675859, MONDO:0012925, OMIM 612528.

Submission:

Labcorp Genetics (formerly Invitae), Labcorp
Classification: Likely pathogenic for Diamond-Blackfan anemia 5. Last evaluated: 2025-07-30. Review status: criteria provided, single submitter. Criteria: Invitae Variant Classification Sherloc (09022015). Collection method: clinical testing. Allele origin: germline.
Comment: This sequence change replaces cysteine, which is neutral and slightly polar, with phenylalanine, which is neutral and non-polar, at codon 47 of the RPL35A protein (p.Cys47Phe). This variant is not present in population databases (gnomAD no frequency). This missense change has been observed in individual(s) with diamond-blackfan anemia (internal data). In at least one individual the variant was observed to be de novo. An algorithm developed to predict the effect of missense changes on protein structure and function (PolyPhen-2) suggests that this variant is likely to be disruptive. In summary, the currently available evidence indicates that the variant is pathogenic, but additional data are needed to prove that conclusively. Therefore, this variant has been classified as Likely Pathogenic.

NM_000996.4(RPL35A):c.140G>T (p.Cys47Phe)

Genes: DRC9 (dynein regulatory complex subunit 9; minus strand), RPL35A (ribosomal protein L35a; plus strand). Cytogenetic location: 3q29.
Variant type: single nucleotide variant.
Coding change: c.140G>T on transcript NM_000996.4 (MANE Select); coding-DNA position 140, G replaced by T.
Protein change: p.Cys47Phe; replaces cysteine 47 with phenylalanine.
Molecular consequence: missense variant. On other transcripts: intron variant (3).
Genome position (GRCh38, 1-based): chr3:197,951,287, G>T. VCF-style: chr3-197951287-G-T. GRCh37 (hg19) VCF-style: chr3-197678158-G-T.
Other names: c.140G>T, p.Cys47Phe (NM_001316311.2); c.-49-7236C>A (NM_001323028.2); c.-59-5601C>A (NM_032263.5); c.-374-5601C>A (NM_001323029.2); short protein forms C47F.
Identifiers: ClinVar variation 4720762 (VCV004720762.1).
Genomic context (GRCh38, chr3:197,951,287, plus strand): 5'-TTCTTAAAATTGAAGGTGTTTACGCCCGAGATGAAACAGAATTCTATTTGGGCAAGAGAT[G>T]CGCTTATGTATATAAAGCAAAGAAGTAAGTTTATGACACTGGTAGGTTTTGGGTTTTTGA-3'
Protein context (NP_000987.2, residues 37-57): DETEFYLGKR[Cys47Phe]AYVYKAKNNT